The following is an entry in ClinVar:

NM_152564.5(VPS13B):c.10975C>T (p.Arg3659Trp)

Gene: VPS13B (vacuolar protein sorting 13 homolog B; plus strand). Cytogenetic location: 8q22.2.
Variant type: single nucleotide variant.
Coding change: c.10975C>T on transcript NM_152564.5 (MANE Select); coding-DNA position 10975, C replaced by T.
Protein change: p.Arg3659Trp; replaces arginine 3659 with tryptophan.
Molecular consequence: missense variant.
Genome position (GRCh38, 1-based): chr8:99,859,411, C>T. VCF-style: chr8-99859411-C-T. GRCh37 (hg19) VCF-style: chr8-100871639-C-T.
Other names: c.11050C>T, p.Arg3684Trp (NM_017890.5); c.10975C>T (NM_152564.4); short protein forms R3659W, R3684W.
Identifiers: ClinVar variation 1396431 (VCV001396431.6), dbSNP rs1420283003, ClinGen allele CA371789314.

ClinVar aggregate classification (germline): Uncertain significance. Review status: criteria provided, multiple submitters, no conflicts (2 of 4 stars). 2 submissions from 2 submitters: Uncertain significance (2). Last evaluated 2025-06-14.

Conditions:
VPS13B-related disorder. Also called: VPS13B-related condition.
Cohen syndrome (COH1). Also called: Cutis verticis gyrata, retinitis pigmentosa, and sensorineural deafness; PEPPER SYNDROME. Identifiers: Orphanet 193, MedGen C0265223, MONDO:0008999, OMIM 216550.

Allele frequency attached by ClinVar (database versions not stated): TOPMed 0.00001.
gnomAD v4.1: 10 of 1,614,140 alleles (0.00062%); highest among the groups gnomAD compares: Non-Finnish European, 0.00068%; no homozygotes.

Submissions (2):

PreventionGenetics, part of Exact Sciences
Classification: Uncertain significance for VPS13B-related condition. Last evaluated: 2025-06-14. Review status: criteria provided, single submitter. Criteria: ACMG Guidelines, 2015. Collection method: clinical testing. Allele origin: germline.
Comment: The VPS13B c.10975C>T variant is predicted to result in the amino acid substitution p.Arg3659Trp. To our knowledge, this variant has not been reported in the literature or in a large population database (gnomAD), indicating this variant is rare. At this time, the clinical significance of this variant is uncertain due to the absence of conclusive functional and genetic evidence.

Labcorp Genetics (formerly Invitae), Labcorp
Classification: Uncertain significance for Cohen syndrome. Last evaluated: 2022-09-13. Review status: criteria provided, single submitter. Criteria: Invitae Variant Classification Sherloc (09022015). Collection method: clinical testing. Allele origin: germline.
Comment: This sequence change replaces arginine, which is basic and polar, with tryptophan, which is neutral and slightly polar, at codon 3684 of the VPS13B protein (p.Arg3684Trp). This variant is not present in population databases (gnomAD no frequency). This variant has not been reported in the literature in individuals affected with VPS13B-related conditions. ClinVar contains an entry for this variant (Variation ID: 1396431). Advanced modeling of protein sequence and biophysical properties (such as structural, functional, and spatial information, amino acid conservation, physicochemical variation, residue mobility, and thermodynamic stability) performed at Invitae indicates that this missense variant is expected to disrupt VPS13B protein function. In summary, the available evidence is currently insufficient to determine the role of this variant in disease. Therefore, it has been classified as a Variant of Uncertain Significance.